The following is an entry in ClinVar:

NM_017617.5(NOTCH1):c.2318G>C (p.Ser773Thr)

Gene: NOTCH1 (notch receptor 1; minus strand). Cytogenetic location: 9q34.3.
Variant type: single nucleotide variant.
Coding change: c.2318G>C on transcript NM_017617.5 (MANE Select); coding-DNA position 2318, G replaced by C.
Protein change: p.Ser773Thr; replaces serine 773 with threonine.
Molecular consequence: missense variant.
Genome position (GRCh38, 1-based): chr9:136,513,427, C>G on the plus strand (G>C on the coding strand, the complement: NOTCH1 is on the minus strand). VCF-style: chr9-136513427-C-G. GRCh37 (hg19) VCF-style: chr9-139407879-C-G.
Other names: c.2318G>C, p.Ser773Thr (LRG_1122t1); short protein forms S773T.
Identifiers: ClinVar variation 544166 (VCV000544166.8), dbSNP rs758073507, ClinGen allele CA5341419.

ClinVar aggregate classification (germline): Uncertain significance (1 of 4 stars; one submission).

Conditions:
Adams-Oliver syndrome 5 (AOS5). Identifiers: Orphanet 974, MedGen C4014970, MONDO:0014459, OMIM 616028.

Submission:

Labcorp Genetics (formerly Invitae), Labcorp
Classification: Uncertain significance for Adams-Oliver syndrome 5. Last evaluated: 2026-01-14. Review status: criteria provided, single submitter. Criteria: Invitae Variant Classification Sherloc (09022015). Collection method: clinical testing. Allele origin: germline.
Comment: This sequence change replaces serine, which is neutral and polar, with threonine, which is neutral and polar, at codon 773 of the NOTCH1 protein (p.Ser773Thr). This variant is present in population databases (rs758073507, gnomAD 0.002%). This variant has not been reported in the literature in individuals affected with NOTCH1-related conditions. ClinVar contains an entry for this variant (Variation ID: 544166). Invitae Evidence Modeling of protein sequence and biophysical properties (such as structural, functional, and spatial information, amino acid conservation, physicochemical variation, residue mobility, and thermodynamic stability) indicates that this missense variant is not expected to disrupt NOTCH1 protein function with a negative predictive value of 80%. In summary, the available evidence is currently insufficient to determine the role of this variant in disease. Therefore, it has been classified as a Variant of Uncertain Significance.